The following is an entry in ClinVar:

ClinVar aggregate classification (germline): Uncertain significance. Review status: criteria provided, multiple submitters, no conflicts (2 of 4 stars). 2 submissions from 2 submitters: Uncertain significance (2). Last evaluated 2025-04-25.

Conditions:
Inborn genetic diseases. Identifiers: MedGen C0950123, MeSH D030342.

Allele frequency attached by ClinVar (database versions not stated): gnomAD 0.00001; ExAC 0.00001.
gnomAD v4.1: 11 of 1,614,090 alleles (0.00068%); highest among the groups gnomAD compares: Non-Finnish European, 0.00017%; no homozygotes.

Submissions (2):

Ambry Genetics
Classification: Uncertain significance for Inborn genetic diseases. Last evaluated: 2025-04-25. Review status: criteria provided, single submitter. Criteria: Ambry Variant Classification Scheme 2023. Collection method: clinical testing. Allele origin: germline.

Labcorp Genetics (formerly Invitae), Labcorp
Classification: Uncertain significance. Last evaluated: 2021-08-31. Review status: criteria provided, single submitter. Criteria: Invitae Variant Classification Sherloc (09022015). Collection method: clinical testing. Allele origin: germline.
Comment: This sequence change replaces histidine with proline at codon 658 of the CAD protein (p.His658Pro). The histidine residue is highly conserved and there is a moderate physicochemical difference between histidine and proline. This variant is present in population databases (rs780774644, ExAC 0.02%). This variant has not been reported in the literature in individuals affected with CAD-related conditions. Algorithms developed to predict the effect of missense changes on protein structure and function are either unavailable or do not agree on the potential impact of this missense change (SIFT: "Deleterious"; PolyPhen-2: "Possibly Damaging"; Align-GVGD: "Class C0"). In summary, the available evidence is currently insufficient to determine the role of this variant in disease. Therefore, it has been classified as a Variant of Uncertain Significance.

NM_004341.5(CAD):c.1973A>C (p.His658Pro)

Gene: CAD (carbamoyl-phosphate synthetase 2, aspartate transcarbamylase, and dihydroorotase; plus strand). Cytogenetic location: 2p23.3.
Variant type: single nucleotide variant.
Coding change: c.1973A>C on transcript NM_004341.5 (MANE Select); coding-DNA position 1973, A replaced by C.
Protein change: p.His658Pro; replaces histidine 658 with proline.
Molecular consequence: missense variant. On other transcripts: intron variant (1).
Genome position (GRCh38, 1-based): chr2:27,226,261, A>C. VCF-style: chr2-27226261-A-C. GRCh37 (hg19) VCF-style: chr2-27449129-A-C.
Other names: c.1843-264A>C (NM_001306079.2); c.1973A>C (NM_004341.3); short protein forms H658P.
Identifiers: ClinVar variation 1357886 (VCV001357886.6), dbSNP rs780774644, ClinGen allele CA1572874.